The following is an entry in ClinVar:

NM_001042492.3(NF1):c.4509dup (p.Val1504fs)

Gene: NF1 (neurofibromin 1; plus strand). Cytogenetic location: 17q11.2.
Variant type: Duplication.
Coding change: c.4509dup on transcript NM_001042492.3 (MANE Select); coding-DNA position 4509, one base duplicated (T; older notation c.4509dupT).
Protein change: p.Val1504fs; shifts the reading frame from valine 1504.
Molecular consequence: frameshift variant.
Genome position (GRCh38, 1-based): chr17:31,260,447, T duplicated. VCF-style (leftmost placement, unchanged base first): chr17-31260446-A-AT. GRCh37 (hg19) VCF-style: chr17-29587464-A-AT.
Other names: c.4446dup, p.Val1483Cysfs (NM_000267.4); c.4509dupT (NM_001042492.3); short protein forms V1483fs, V1504fs.
Identifiers: ClinVar variation 1048735 (VCV001048735.4), dbSNP rs2151464701, ClinGen allele CA2499224141.
Genomic context (GRCh38, chr17:31,260,446, plus strand): 5'-CATCTGATTGTCCTACAAGTGATGCAGTAAATCATAGTCTTTCCTTCATAAGTGACGGCA[A>AT]TGTGCTTGCTTTACATCGTCTACTCTGGAACAATCAGGAGAAAATTGGGCAGTATCTTTC-3'

ClinVar aggregate classification (germline): Pathogenic. Review status: criteria provided, single submitter (1 of 4 stars). 2 submissions from 2 submitters: Pathogenic (1). 1 of the submissions does not count toward it. Last evaluated 2023-01-26.

Conditions:
Neurofibromatosis, type 1 (NF1). Also called: Peripheral type neurofibromatosis; Neurofibromatosis, type I; VON RECKLINGHAUSEN DISEASE; NEUROFIBROMATOSIS, TYPE I, SOMATIC. Identifiers: Orphanet 636, MedGen C0027831, MONDO:0018975, OMIM 162200. Disease mechanism: loss of function.

Submissions (2):

Labcorp Genetics (formerly Invitae), Labcorp
Classification: Pathogenic for Neurofibromatosis, type 1. Last evaluated: 2023-01-26. Review status: criteria provided, single submitter. Criteria: Invitae Variant Classification Sherloc (09022015). Collection method: clinical testing. Allele origin: germline.
Comment: For these reasons, this variant has been classified as Pathogenic. ClinVar contains an entry for this variant (Variation ID: 1048735). This variant has not been reported in the literature in individuals affected with NF1-related conditions. This variant is not present in population databases (gnomAD no frequency). This sequence change creates a premature translational stop signal (p.Val1483Cysfs*26) in the NF1 gene. It is expected to result in an absent or disrupted protein product. Loss-of-function variants in NF1 are known to be pathogenic (PMID: 10712197, 23913538).

Laboratory of Medical Genetics, National & Kapodistrian University of Athens
Classification: Pathogenic for Neurofibromatosis, type 1. Last evaluated: 2019-01-01. Review status: no assertion criteria provided. Collection method: clinical testing. Allele origin: germline. Affected: yes. Not counted in ClinVar's aggregate classification.

Literature cited by the submitters: PubMed 10712197 (cited by Labcorp Genetics (formerly Invitae), Labcorp); PubMed 23913538 (cited by Labcorp Genetics (formerly Invitae), Labcorp).